The following is an entry in ClinVar:

ClinVar aggregate classification (germline): Conflicting classifications of pathogenicity. Review status: criteria provided, conflicting classifications (1 of 4 stars). 4 submissions from 4 submitters: Likely pathogenic (1); Uncertain significance (3). Last evaluated 2025-04-08.

Conditions:
Hereditary nonpolyposis colorectal neoplasms. Identifiers: MedGen C0009405, MeSH D003123.
Hereditary cancer-predisposing syndrome. Also called: Tumor predisposition; Hereditary Cancer Syndrome; Hereditary neoplastic syndrome; Neoplastic Syndromes, Hereditary. Identifiers: Orphanet 140162, MedGen C0027672, MeSH D009386, MONDO:0015356.

Allele frequency attached by ClinVar (database versions not stated): gnomAD 0.00001.
gnomAD v4.1: 1 of 1,613,772 alleles (0.000062%); highest among the groups gnomAD compares: African/African-American, 0.0013%; no homozygotes.

Submissions (4):

Labcorp Genetics (formerly Invitae), Labcorp
Classification: Uncertain significance for Hereditary nonpolyposis colorectal neoplasms. Last evaluated: 2025-04-08. Review status: criteria provided, single submitter. Criteria: Invitae Variant Classification Sherloc (09022015). Collection method: clinical testing. Allele origin: germline.
Comment: This sequence change replaces arginine, which is basic and polar, with leucine, which is neutral and non-polar, at codon 1242 of the MSH6 protein (p.Arg1242Leu). This variant is not present in population databases (gnomAD no frequency). This missense change has been observed in individual(s) with clinical features of Lynch syndrome but with normal MSH6 expression by immunohistochemistry (PMID: 16270383). ClinVar contains an entry for this variant (Variation ID: 89451). An algorithm developed specifically for the MSH6 gene suggests that this missense change is likely to be deleterious (PMID: 23621914). This variant disrupts the p.Arg1242 amino acid residue in MSH6. Other variant(s) that disrupt this residue have been determined to be pathogenic (PMID: 10612827, 17718861, 23729658, 24763289, 24933100, 28514183). This suggests that this residue is clinically significant, and that variants that disrupt this residue are likely to be disease-causing. In summary, the available evidence is currently insufficient to determine the role of this variant in disease. Therefore, it has been classified as a Variant of Uncertain Significance.

Ambry Genetics
Classification: Uncertain significance for Hereditary cancer-predisposing syndrome. Last evaluated: 2025-02-13. Review status: criteria provided, single submitter. Criteria: Ambry Variant Classification Scheme 2023. Collection method: clinical testing. Allele origin: germline.
Comment: The p.R1242L variant (also known as c.3725G>T), located in coding exon 8 of the MSH6 gene, results from a G to T substitution at nucleotide position 3725. The arginine at codon 1242 is replaced by leucine, an amino acid with dissimilar properties. This amino acid position is highly conserved in available vertebrate species. In addition, this alteration is predicted to be deleterious by in silico analysis. Since supporting evidence is limited at this time, the clinical significance of this alteration remains unclear.

GeneDx
Classification: Likely pathogenic. Last evaluated: 2024-03-22. Review status: criteria provided, single submitter. Criteria: GeneDx Variant Classification Process June 2021. Collection method: clinical testing. Allele origin: germline. Affected: yes.
Comment: Observed in a family meeting Bethesda criteria for Lynch syndrome (PMID: 16270383); Not observed at significant frequency in large population cohorts (gnomAD); In silico analysis supports that this missense variant has a deleterious effect on protein structure/function; This variant is associated with the following publications: (PMID: 17531815, 21120944, 23621914, 26333163, 36243179, 16270383)

Women's Health and Genetics/Laboratory Corporation of America, LabCorp
Classification: Uncertain significance. Last evaluated: 2021-03-07. Review status: criteria provided, single submitter. Criteria: LabCorp Variant Classification Summary - May 2015. Collection method: clinical testing. Allele origin: germline.
Comment: Variant summary: MSH6 c.3725G>T (p.Arg1242Leu) results in a non-conservative amino acid change located in the DNA mismatch repair protein Mut S, C-terminal domain (IPR000432) of the encoded protein sequence. Four of five in-silico tools predict a damaging effect of the variant on protein function. The variant was absent in 251180 control chromosomes. The available data on variant occurrences in the general population are insufficient to allow any conclusion about variant significance. c.3725G>T has been reported in the literature in at-least one individual from a family who fulfilled the Bethesda criteria, with MSI-high status and positive staining for all MMR proteins by IHC analysis (Sanchez de Abajo_2005). This report does not provide unequivocal conclusions about association of the variant with Lynch Syndrome. To our knowledge, no experimental evidence demonstrating an impact on protein function has been reported. No clinical diagnostic laboratories have submitted clinical-significance assessments for this variant to ClinVar after 2014. Based on the evidence outlined above, the variant was classified as uncertain significance.

Literature cited by the submitters: PubMed 16270383 (cited by 3 submitters); PubMed 23621914 (cited by Labcorp Genetics (formerly Invitae), Labcorp); PubMed 10612827 (cited by Labcorp Genetics (formerly Invitae), Labcorp); PubMed 17718861 (cited by Labcorp Genetics (formerly Invitae), Labcorp); PubMed 23729658 (cited by Labcorp Genetics (formerly Invitae), Labcorp); PubMed 24763289 (cited by Labcorp Genetics (formerly Invitae), Labcorp); PubMed 24933100 (cited by Labcorp Genetics (formerly Invitae), Labcorp); PubMed 28514183 (cited by Labcorp Genetics (formerly Invitae), Labcorp); PubMed 26333163 (cited by Women's Health and Genetics/Laboratory Corporation of America, LabCorp).

NM_000179.3(MSH6):c.3725G>T (p.Arg1242Leu)

Gene: MSH6 (mutS homolog 6; plus strand). Cytogenetic location: 2p16.3.
Variant type: single nucleotide variant.
Coding change: c.3725G>T on transcript NM_000179.3 (MANE Select); coding-DNA position 3725, G replaced by T.
Protein change: p.Arg1242Leu; replaces arginine 1242 with leucine.
Molecular consequence: missense variant.
Genome position (GRCh38, 1-based): chr2:47,806,282, G>T. VCF-style: chr2-47806282-G-T. GRCh37 (hg19) VCF-style: chr2-48033421-G-T.
Other names: c.3335G>T, p.Arg1112Leu (NM_001281492.2); c.2819G>T, p.Arg940Leu (NM_001281493.2, NM_001281494.2); short protein forms R1242L, R1112L, R940L.
Identifiers: ClinVar variation 89451 (VCV000089451.17), dbSNP rs63750119, ClinGen allele CA014086.